The following is an entry in ClinVar:

ClinVar aggregate classification (germline): Uncertain significance (1 of 4 stars; one submission).

Conditions:
Macrothrombocytopenia, isolated, 1, autosomal dominant (MACTHC1). Also called: Autosomal dominant macrothrombocytopenia TUBB1-related. Identifiers: Orphanet 140957, MedGen C5676892, MONDO:0800047, OMIM 613112.

Allele frequency attached by ClinVar (database versions not stated): gnomAD exomes below 0.00001.
gnomAD v4.1: 1 of 1,614,186 alleles (0.000062%); highest among the groups gnomAD compares: Non-Finnish European, 0.000085%; no homozygotes.

Submission:

ISTH-SSC Genomics in Thrombosis and Hemostasis, KU Leuven, Center for Molecular and Vascular Biology
Classification: Uncertain significance for Macrothrombocytopenia, isolated, 1, autosomal dominant. Review status: criteria provided, single submitter. Criteria: ACMG Guidelines, 2015. Collection method: clinical testing. Allele origin: germline. Affected: yes. Observed: 1 compound heterozygote.
Comment: Submitted to the GoldVariant database by Kathleen Freson, Center for Molecular and Vascular Biology

NM_030773.4(TUBB1):c.935C>G (p.Thr312Arg)

Gene: TUBB1 (tubulin beta 1 class VI; plus strand). Cytogenetic location: 20q13.32.
Variant type: single nucleotide variant.
Coding change: c.935C>G on transcript NM_030773.4 (MANE Select); coding-DNA position 935, C replaced by G.
Protein change: p.Thr312Arg; replaces threonine 312 with arginine.
Molecular consequence: missense variant.
Genome position (GRCh38, 1-based): chr20:59,024,362, C>G. VCF-style: chr20-59024362-C-G. GRCh37 (hg19) VCF-style: chr20-57599417-C-G.
Other names: short protein forms T312R.
Identifiers: ClinVar variation 2572119 (VCV002572119.1), dbSNP rs2091983599, ClinGen allele CA409467967.